The following is an entry in ClinVar:

ClinVar aggregate classification (germline): Uncertain significance (1 of 4 stars; one submission).

Submission:

Dasa
Classification: Uncertain significance. Last evaluated: 2026-05-21. Review status: criteria provided, single submitter. Criteria: DASA Assertion Criteria. Collection method: clinical testing. Allele origin: germline.
Comment: NM_000836.4(GRIN2D):c.577C>G (p.Arg193Gly) is a missense variant that results in the substitution of arginine with glycine. This variant is rare in population databases. The currently available literature and clinical evidence are not sufficient to establish a definitive association between this variant and the reported condition. Therefore, this variant is classified as a variant of uncertain significance.

NM_000836.4(GRIN2D):c.577C>G (p.Arg193Gly)

Gene: GRIN2D (glutamate ionotropic receptor NMDA type subunit 2D; plus strand). Cytogenetic location: 19q13.33.
Variant type: single nucleotide variant.
Coding change: c.577C>G on transcript NM_000836.4 (MANE Select); coding-DNA position 577, C replaced by G.
Protein change: p.Arg193Gly; replaces arginine 193 with glycine.
Molecular consequence: missense variant.
Genome position (GRCh38, 1-based): chr19:48,404,845, C>G. VCF-style: chr19-48404845-C-G. GRCh37 (hg19) VCF-style: chr19-48908102-C-G.
Other names: short protein forms R193G.
Identifiers: ClinVar variation 5020521 (VCV005020521.1).